The following is an entry in ClinVar:

NM_001048174.2(MUTYH):c.808A>C (p.Ser270Arg)

Gene: MUTYH (mutY DNA glycosylase; minus strand). Cytogenetic location: 1p34.1.
Variant type: single nucleotide variant.
Coding change: c.808A>C on transcript NM_001048174.2 (MANE Select); coding-DNA position 808, A replaced by C.
Protein change: p.Ser270Arg; replaces serine 270 with arginine.
Molecular consequence: missense variant. On other transcripts: non-coding transcript variant (7).
Genome position (GRCh38, 1-based): chr1:45,332,207, T>G on the plus strand (A>C on the coding strand, the complement: MUTYH is on the minus strand). VCF-style: chr1-45332207-T-G. GRCh37 (hg19) VCF-style: chr1-45797879-T-G.
Other names: c.811A>C, p.Ser271Arg (NM_001048172.2, NM_001407078.1, NM_001407086.1 and 1 more transcripts); c.808A>C, p.Ser270Arg (NM_001048173.2, NM_001293195.2, NM_001407081.1 and 6 more transcripts); c.892A>C, p.Ser298Arg (NM_001128425.2); c.853A>C, p.Ser285Arg (NM_001293190.2); c.841A>C, p.Ser281Arg (NM_001293191.2, NM_001407069.1, NM_001407077.1); c.532A>C, p.Ser178Arg (NM_001293192.2, NM_001293196.2, NM_001407091.1); c.769A>C, p.Ser257Arg (NM_001407079.1); c.766A>C, p.Ser256Arg (NM_001407080.1); and 5 more; short protein forms S155R, S295R, S178R, S257R, S270R, S271R, S284R, S277R.
Identifiers: ClinVar variation 4113884 (VCV004113884.1).
Genomic context (GRCh38, chr1:45,332,207, plus strand): 5'-CCTTCCCCAGTAGGCTTACTCTCTGGCGTGCCCGGCACAGGCTCTCCACAGGGCACTGGC[T>G]GCACAGTGGGCGCTGTGGGGTACACACTGTGGCCCCTAGCTCCATGGCTGCTTGGTTGAA-3'
Protein context (NP_001041639.1, residues 260-280): TVCTPQRPLC[Ser270Arg]QCPVESLCRA

ClinVar aggregate classification (germline): Uncertain significance (1 of 4 stars; one submission).

Conditions:
Hereditary cancer-predisposing syndrome. Also called: Hereditary neoplastic syndrome; Neoplastic Syndromes, Hereditary; Tumor predisposition; Hereditary Cancer Syndrome. Identifiers: Orphanet 140162, MedGen C0027672, MeSH D009386, MONDO:0015356.

Submission:

Ambry Genetics
Classification: Uncertain significance for Hereditary cancer-predisposing syndrome. Last evaluated: 2025-08-27. Review status: criteria provided, single submitter. Criteria: Ambry Variant Classification Scheme 2023. Collection method: clinical testing. Allele origin: germline.
Comment: The p.S298R variant (also known as c.892A>C), located in coding exon 10 of the MUTYH gene, results from an A to C substitution at nucleotide position 892. The serine at codon 298 is replaced by arginine, an amino acid with dissimilar properties. This amino acid position is conserved. In addition, the in silico prediction for this alteration is inconclusive. Based on the available evidence, the clinical significance of this variant remains unclear.